The following is an entry in ClinVar:

NM_016562.4(TLR7):c.1989T>G (p.Ser663Arg)

Gene: TLR7 (toll like receptor 7; plus strand). Cytogenetic location: Xp22.2.
Variant type: single nucleotide variant.
Coding change: c.1989T>G on transcript NM_016562.4 (MANE Select); coding-DNA position 1989, T replaced by G.
Protein change: p.Ser663Arg; replaces serine 663 with arginine.
Molecular consequence: missense variant.
Genome position (GRCh38, 1-based): chrX:12,887,497, T>G. VCF-style: chrX-12887497-T-G. GRCh37 (hg19) VCF-style: chrX-12905616-T-G.
Other names: short protein forms S663R.
Identifiers: ClinVar variation 3667937 (VCV003667937.2).
Genomic context (GRCh38, chrX:12,887,497, plus strand): 5'-ACAATTATTCAAGAATCTGCTAAAATTAGAGGAATTAGACATCTCTAAAAATTCCCTAAG[T>G]TTCTTGCCTTCTGGAGTTTTTGATGGTATGCCTCCAAATCTAAAGAATCTCTCTTTGGCC-3'
Protein context (NP_057646.1, residues 653-673): EELDISKNSL[Ser663Arg]FLPSGVFDGM

ClinVar aggregate classification (germline): Uncertain significance (1 of 4 stars; one submission).

gnomAD v4.1: 2 of 1,210,951 alleles (0.00017%); highest among the groups gnomAD compares: East Asian, 0.0059%; no homozygotes.

Submission:

Labcorp Genetics (formerly Invitae), Labcorp
Classification: Uncertain significance. Last evaluated: 2024-06-12. Review status: criteria provided, single submitter. Criteria: Invitae Variant Classification Sherloc (09022015). Collection method: clinical testing. Allele origin: germline.
Comment: This sequence change replaces serine, which is neutral and polar, with arginine, which is basic and polar, at codon 663 of the TLR7 protein (p.Ser663Arg). This variant is present in population databases (rs762017849, gnomAD 0.02%). This variant has not been reported in the literature in individuals affected with TLR7-related conditions. Algorithms developed to predict the effect of missense changes on protein structure and function output the following: SIFT: "Not Available"; PolyPhen-2: "Benign"; Align-GVGD: "Not Available". The arginine amino acid residue is found in multiple mammalian species, which suggests that this missense change does not adversely affect protein function. In summary, the available evidence is currently insufficient to determine the role of this variant in disease. Therefore, it has been classified as a Variant of Uncertain Significance.